The following is an entry in ClinVar:

ClinVar aggregate classification (germline): Uncertain significance. Review status: criteria provided, multiple submitters, no conflicts (2 of 4 stars). 3 submissions from 3 submitters: Uncertain significance (3). Last evaluated 2025-02-27.

Conditions:
Inborn genetic diseases. Identifiers: MedGen C0950123, MeSH D030342.
Charcot-Marie-Tooth disease type 4. Also called: Charcot-Marie-Tooth, Type 4; Charcot-Marie-Tooth disease, type IV. Identifiers: Orphanet 64749, MedGen C4082197, MONDO:0018995.

Allele frequency attached by ClinVar (database versions not stated): TOPMed 0.00001; gnomAD exomes 0.00002; gnomAD 0.00001; ExAC 0.00002; ESP Exome Variant Server 0.00008.

Submissions (3):

Mayo Clinic Laboratories, Mayo Clinic
Classification: Uncertain significance. Last evaluated: 2025-02-27. Review status: criteria provided, single submitter. Criteria: ACMG Guidelines, 2015. Collection method: clinical testing. Allele origin: germline. Observed: 1 variant allele.
Comment: PM2_supporting

Labcorp Genetics (formerly Invitae), Labcorp
Classification: Uncertain significance for Charcot-Marie-Tooth disease type 4. Last evaluated: 2023-11-19. Review status: criteria provided, single submitter. Criteria: Invitae Variant Classification Sherloc (09022015). Collection method: clinical testing. Allele origin: germline.
Comment: This sequence change replaces methionine, which is neutral and non-polar, with leucine, which is neutral and non-polar, at codon 1146 of the SBF2 protein (p.Met1146Leu). This variant is present in population databases (rs377277274, gnomAD 0.004%). This variant has not been reported in the literature in individuals affected with SBF2-related conditions. ClinVar contains an entry for this variant (Variation ID: 543338). Advanced modeling of protein sequence and biophysical properties (such as structural, functional, and spatial information, amino acid conservation, physicochemical variation, residue mobility, and thermodynamic stability) performed at Invitae indicates that this missense variant is not expected to disrupt SBF2 protein function with a negative predictive value of 80%. In summary, the available evidence is currently insufficient to determine the role of this variant in disease. Therefore, it has been classified as a Variant of Uncertain Significance.

Ambry Genetics
Classification: Uncertain significance for Inborn genetic diseases. Last evaluated: 2020-06-11. Review status: criteria provided, single submitter. Criteria: Ambry Variant Classification Scheme 2023. Collection method: clinical testing. Allele origin: germline.
Comment: The p.M1146L variant (also known as c.3436A>T), located in coding exon 26 of the SBF2 gene, results from an A to T substitution at nucleotide position 3436. The methionine at codon 1146 is replaced by leucine, an amino acid with highly similar properties. This amino acid position is not well conserved in available vertebrate species. In addition, this alteration is predicted to be tolerated by in silico analysis. Since supporting evidence is limited at this time, the clinical significance of this alteration remains unclear.

NM_030962.4(SBF2):c.3436A>T (p.Met1146Leu)

Genes: SBF2 (SET binding factor 2; minus strand), LOC101928008 (uncharacterized LOC101928008; plus strand). Cytogenetic location: 11p15.4.
Variant type: single nucleotide variant.
Coding change: c.3436A>T on transcript NM_030962.4 (MANE Select); coding-DNA position 3436, A replaced by T.
Protein change: p.Met1146Leu; replaces methionine 1146 with leucine.
Molecular consequence: missense variant.
Genome position (GRCh38, 1-based): chr11:9,839,517, T>A on the plus strand (A>T on the coding strand, the complement: SBF2 is on the minus strand). VCF-style: chr11-9839517-T-A. GRCh37 (hg19) VCF-style: chr11-9861064-T-A.
Other names: p.Met1146Leu; c.3436A>T, p.Met1146Leu (NM_001386339.1); c.3307A>T, p.Met1103Leu (NM_001386342.1); short protein forms M1146L, M1103L.
Identifiers: ClinVar variation 543338 (VCV000543338.14), dbSNP rs377277274, ClinGen allele CA5881285.
Genomic context (GRCh38, chr11:9,839,517, plus strand): 5'-AGGAAGGAAGACCTCTTTTTGGAGCCCACTGACACACTTACCTCCGGCAGAGTGAATACA[T>A]CCTGTTGGAGGCAGTAATTCTAAAATACTCGGGTCTTGAACGGGAAGAGCTGCCACTTAT-3'
Protein context (NP_112224.1, residues 1136-1156): EYFRITASNR[Met1146Leu]YSLCRSYPGL